The following is an entry in ClinVar:

ClinVar aggregate classification (germline): Uncertain significance (1 of 4 stars; one submission).

Conditions:
Noonan syndrome 9 (NS9). Identifiers: Orphanet 648, MedGen C4225282, MONDO:0014691, OMIM 616559.

Submission:

St. Jude Molecular Pathology, St. Jude Children's Research Hospital
Classification: Uncertain significance for Noonan syndrome 9. Last evaluated: 2024-11-15. Review status: criteria provided, single submitter. Criteria: St. Jude Assertion Criteria 2020. Collection method: clinical testing. Allele origin: germline.
Comment: The SOS2 c.2668-7_2668-3del change deletes five nucleotides in the intron 16 of the SOS2 gene. It is absent in gnomAD v2.1.1. Algorithms that predict the impact of sequence changes on splicing are not conclusive as to whether or not this variant affects splicing and loss of function of the resulting protein product. Internal RNAseq data of the tumor sample was inconclusive in determining whether this variant impacts splicing. To our knowledge, this variant has not been reported in individuals with Noonan syndrome. In summary, the evidence currently available is insufficient to determine the clinical significance of this variant. It has therefore been classified as of uncertain significance.

NM_006939.4(SOS2):c.2668-7_2668-3del

Gene: SOS2 (SOS Ras/Rho guanine nucleotide exchange factor 2; minus strand). Cytogenetic location: 14q21.3.
Variant type: Deletion.
Coding change: c.2668-7_2668-3del on transcript NM_006939.4 (MANE Select); 7 bases into the intron before coding-DNA position 2668 through 3 bases into the intron before coding-DNA position 2668, 5 bases deleted (CTTTA; older notation c.2668-7_2668-3delCTTTA).
Molecular consequence: intron variant.
Genome position (GRCh38, 1-based): chr14:50,140,062-50,140,066, TAAAG deleted on the plus strand (CTTTA on the coding strand, the reverse complement: SOS2 is on the minus strand); deleting any 5 consecutive bases within chr14:50,140,062-50,140,068 gives the same sequence; the c. name uses the placement nearest the transcript's 3' end. VCF-style (leftmost placement, unchanged base first): chr14-50140061-TTAAAG-T. GRCh37 (hg19) VCF-style: chr14-50606779-TTAAAG-T.
Other names: c.2569-7_2569-3del (NM_001411020.1).
Identifiers: ClinVar variation 3602710 (VCV003602710.1).
Genomic context (GRCh38, chr14:50,140,061, plus strand): 5'-TGATCTTGACTTAATTCCACAGCTTCGTCCAAAATTTTCCTTTTCCTTTCCTGCAGTGCC[TTAAAG>T]TATACATAAATTGAGTATAAATTTTTTACAATTCAATCATATTTTATAAATGCAAACCTT-3'